The following is an entry in ClinVar:

ClinVar aggregate classification (germline): Likely benign (1 of 4 stars; one submission).

Submission:

CeGaT Center for Human Genetics Tuebingen
Classification: Likely benign. Last evaluated: 2025-08-01. Review status: criteria provided, single submitter. Criteria: CeGaT Center For Human Genetics Tuebingen Variant Classification Criteria Version 2. Collection method: clinical testing. Allele origin: germline. Affected: yes. Observed: 1 variant allele.
Comment: GPC3: PM2:Supporting, BP4, BP7

NM_004484.4(GPC3):c.705T>C (p.Leu235=)

Gene: GPC3 (glypican 3; minus strand). Cytogenetic location: Xq26.2.
Variant type: single nucleotide variant.
Coding change: c.705T>C on transcript NM_004484.4 (MANE Select); coding-DNA position 705, T replaced by C.
Protein change: p.Leu235=; no amino-acid change (leucine 235 retained).
Molecular consequence: synonymous variant.
Genome position (GRCh38, 1-based): chrX:133,753,809, A>G on the plus strand (T>C on the coding strand, the complement: GPC3 is on the minus strand). VCF-style: chrX-133753809-A-G. GRCh37 (hg19) VCF-style: chrX-132887836-A-G.
Other names: c.705T>C, p.Leu235= (NM_001164617.2); c.657T>C, p.Leu219= (NM_001164618.2); c.543T>C, p.Leu181= (NM_001164619.2).
Identifiers: ClinVar variation 4083920 (VCV004083920.8).